The following is an entry in ClinVar:

NM_006612.6(KIF1C):c.798+5G>A

Genes: KIF1C (kinesin family member 1C; plus strand), LOC126862472 (CDK7 strongly-dependent group 2 enhancer GRCh37_chr17:4906716-4907915; plus strand). Cytogenetic location: 17p13.2.
Variant type: single nucleotide variant.
Coding change: c.798+5G>A on transcript NM_006612.6 (MANE Select); 5 bases into the intron after coding-DNA position 798, G replaced by A.
Molecular consequence: intron variant.
Genome position (GRCh38, 1-based): chr17:5,003,694, G>A. VCF-style: chr17-5003694-G-A. GRCh37 (hg19) VCF-style: chr17-4906989-G-A.
Identifiers: ClinVar variation 835940 (VCV000835940.8), dbSNP rs1974659801, ClinGen allele CA916083520.

ClinVar aggregate classification (germline): Uncertain significance (1 of 4 stars; one submission).

Conditions:
Spastic ataxia 2. Also called: Ataxia, spastic, 2, autosomal recessive. Identifiers: Orphanet 397946, MedGen C1969796, MONDO:0012651, OMIM 611302.

Allele frequency attached by ClinVar (database versions not stated): gnomAD exomes below 0.00001.
gnomAD v4.1: 3 of 1,612,182 alleles (0.00019%); highest among the groups gnomAD compares: Non-Finnish European, 0.00025%; no homozygotes.

Submission:

Labcorp Genetics (formerly Invitae), Labcorp
Classification: Uncertain significance for Spastic ataxia 2. Last evaluated: 2019-02-22. Review status: criteria provided, single submitter. Criteria: Invitae Variant Classification Sherloc (09022015). Collection method: clinical testing. Allele origin: germline.
Comment: This sequence change falls in intron 9 of the KIF1C gene. It does not directly change the encoded amino acid sequence of the KIF1C protein, but it affects a nucleotide within the consensus splice site of the intron. This variant is not present in population databases (ExAC no frequency). This variant has not been reported in the literature in individuals with KIF1C-related conditions. Nucleotide substitutions within the consensus splice site are a relatively common cause of aberrant splicing (PMID: 17576681, 9536098). Algorithms developed to predict the effect of sequence changes on RNA splicing suggest that this variant may disrupt the consensus splice site, but this prediction has not been confirmed by published transcriptional studies. In summary, the available evidence is currently insufficient to determine the role of this variant in disease. Therefore, it has been classified as a Variant of Uncertain Significance.

Literature cited by the submitters: PubMed 17576681; PubMed 9536098.